The following is an entry in ClinVar:

ClinVar aggregate classification (germline): Conflicting classifications of pathogenicity. Review status: criteria provided, conflicting classifications (1 of 4 stars). 3 submissions from 3 submitters: Uncertain significance (2); Likely benign (1). Last evaluated 2025-08-20.

Conditions:
Inborn genetic diseases. Identifiers: MedGen C0950123, MeSH D030342.
Hereditary spastic paraplegia 30. Identifiers: Orphanet 101010, MedGen C5235139, MONDO:0012476.
Neuropathy, hereditary sensory, type 2C. Also called: Hereditary sensory and autonomic neuropathy type IIC; KIF1A-Related HSAN2 (HSAN2C). Identifiers: Orphanet 970, MedGen C3280168, MONDO:0013634, OMIM 614213.
Intellectual disability, autosomal dominant 9 (NESCAVS). Also called: NESCAV SYNDROME; KIF1A-Related Neurodevelopmental Disorder. Identifiers: Orphanet 662367, MedGen C5393830, MONDO:0013656, OMIM 614255.

Allele frequency attached by ClinVar (database versions not stated): ExAC 0.00001; gnomAD 0.00001; gnomAD exomes 0.00001 and 0.00003; TOPMed 0.00002; ESP Exome Variant Server 0.00008.
gnomAD v4.1: 43 of 1,606,144 alleles (0.0027%); highest among the groups gnomAD compares: Non-Finnish European, 0.0035%; no homozygotes.

Submissions (3):

Labcorp Genetics (formerly Invitae), Labcorp
Classification: Uncertain significance for Hereditary spastic paraplegia 30; Neuropathy, hereditary sensory, type 2C; Intellectual disability, autosomal dominant 9. Last evaluated: 2025-08-20. Review status: criteria provided, single submitter. Criteria: Invitae Variant Classification Sherloc (09022015). Collection method: clinical testing. Allele origin: germline.
Comment: This sequence change affects codon 1522 of the KIF1A mRNA. It is a 'silent' change, meaning that it does not change the encoded amino acid sequence of the KIF1A protein. It affects a nucleotide within the consensus splice site. This variant is present in population databases (rs372521322, gnomAD 0.002%). This variant has not been reported in the literature in individuals affected with KIF1A-related conditions. ClinVar contains an entry for this variant (Variation ID: 834624). Algorithms developed to predict the effect of sequence changes on RNA splicing suggest that this variant is not likely to affect RNA splicing. In summary, the available evidence is currently insufficient to determine the role of this variant in disease. Therefore, it has been classified as a Variant of Uncertain Significance.

Ambry Genetics
Classification: Likely benign for Inborn genetic diseases. Last evaluated: 2017-05-31. Review status: criteria provided, single submitter. Criteria: Ambry Variant Classification Scheme 2023. Collection method: clinical testing. Allele origin: germline.

Breakthrough Genomics
Classification: Uncertain significance. Review status: criteria provided, single submitter. Criteria: ACMG Guidelines, 2015. Collection method: not provided. Allele origin: germline. Inheritance: Autosomal recessive inheritance. Affected: yes.

NM_001244008.2(KIF1A):c.4869G>A (p.Arg1623=)

Gene: KIF1A (kinesin family member 1A; minus strand). Cytogenetic location: 2q37.3.
Variant type: single nucleotide variant.
Coding change: c.4869G>A on transcript NM_001244008.2 (MANE Select); coding-DNA position 4869, G replaced by A.
Protein change: p.Arg1623=; no amino-acid change (arginine 1623 retained).
Molecular consequence: synonymous variant.
Genome position (GRCh38, 1-based): chr2:240,719,926, C>T on the plus strand (G>A on the coding strand, the complement: KIF1A is on the minus strand). VCF-style: chr2-240719926-C-T. GRCh37 (hg19) VCF-style: chr2-241659343-C-T.
Other names: c.4593G>A, p.Arg1531= (NM_001320705.2, NM_001379649.1); c.4620G>A, p.Arg1540= (NM_001330289.2); c.4668G>A, p.Arg1556= (NM_001330290.2, NM_001379648.1); c.4944G>A, p.Arg1648= (NM_001379631.1); c.4845G>A, p.Arg1615= (NM_001379632.1); c.4842G>A, p.Arg1614= (NM_001379633.1, NM_001379645.1); c.4695G>A, p.Arg1565= (NM_001379634.1); c.4692G>A, p.Arg1564= (NM_001379635.1, NM_001379646.1); and 7 more.
Identifiers: ClinVar variation 834624 (VCV000834624.11), dbSNP rs372521322, ClinGen allele CA2207261.